The following is an entry in ClinVar:

NM_012309.5(SHANK2):c.3939G>A (p.Leu1313=)

Gene: SHANK2 (SH3 and multiple ankyrin repeat domains 2; minus strand). Cytogenetic location: 11q13.3.
Variant type: single nucleotide variant.
Coding change: c.3939G>A on transcript NM_012309.5 (MANE Select); coding-DNA position 3939, G replaced by A.
Protein change: p.Leu1313=; no amino-acid change (leucine 1313 retained).
Molecular consequence: synonymous variant.
Genome position (GRCh38, 1-based): chr11:70,486,354, C>T on the plus strand (G>A on the coding strand, the complement: SHANK2 is on the minus strand). VCF-style: chr11-70486354-C-T. GRCh37 (hg19) VCF-style: chr11-70332459-C-T.
Other names: c.2802G>A, p.Leu934= (NM_001379226.1); c.4059G>A, p.Leu1353= (NM_001441024.1); c.3888G>A, p.Leu1296= (NM_001441025.1, NM_001441026.1, NM_001441027.1 and 8 more transcripts); c.3861G>A, p.Leu1287= (NM_001441035.1, NM_001441036.1, NM_001441037.1); c.3816G>A, p.Leu1272= (NM_001441038.1); c.2772G>A, p.Leu924= (NM_001441040.1); c.2724G>A, p.Leu908= (NM_001441041.1); c.2166G>A, p.Leu722= (NM_001441042.1); and 6 more.
Identifiers: ClinVar variation 4821887 (VCV004821887.4).

ClinVar aggregate classification (germline): Likely benign (1 of 4 stars; one submission).

gnomAD v4.1: 120 of 1,613,932 alleles (0.0074%); highest among the groups gnomAD compares: African/African-American, 0.14%; no homozygotes.

Submission:

CeGaT Center for Human Genetics Tuebingen
Classification: Likely benign. Last evaluated: 2026-04-01. Review status: criteria provided, single submitter. Criteria: CeGaT Center For Human Genetics Tuebingen Variant Classification Criteria Version 2. Collection method: clinical testing. Allele origin: germline. Affected: yes. Observed: 2 variant alleles.
Comment: SHANK2: BP4, BS1